The following is an entry in ClinVar:

NM_177972.3(TUB):c.352G>A (p.Gly118Ser)

Genes: RIC3 (RIC3 acetylcholine receptor chaperone; minus strand), TUB (TUB bipartite transcription factor; plus strand). Cytogenetic location: 11p15.4.
Variant type: single nucleotide variant.
Coding change: c.352G>A on transcript NM_177972.3 (MANE Select); coding-DNA position 352, G replaced by A.
Protein change: p.Gly118Ser; replaces glycine 118 with serine.
Molecular consequence: missense variant. On other transcripts: non-coding transcript variant (1).
Genome position (GRCh38, 1-based): chr11:8,094,144, G>A. VCF-style: chr11-8094144-G-A. GRCh37 (hg19) VCF-style: chr11-8115691-G-A.
Other names: c.517G>A, p.Gly173Ser (NM_003320.5); short protein forms G118S, G173S.
Identifiers: ClinVar variation 955486 (VCV000955486.11), dbSNP rs147424798, ClinGen allele CA5871044.
Genomic context (GRCh38, chr11:8,094,144, plus strand): 5'-GCCACGCGCCCAACAGCACCAGCTTCAGCCAAGAGAACCAAGGCGGCAGCTACAGCAGGG[G>A]GCCAGGGTGGCGCCGCTAGGAAGGAGAAGAAGGGAAAGCACAAAGGTCAGCTCACATTCT-3'
Protein context (NP_813977.1, residues 108-128): KRTKAAATAG[Gly118Ser]QGGAARKEKK

ClinVar aggregate classification (germline): Uncertain significance. Review status: criteria provided, multiple submitters, no conflicts (2 of 4 stars). 4 submissions from 4 submitters: Uncertain significance (4). Last evaluated 2025-04-29.

Conditions:
TUB-related disorder. Also called: TUB-related condition.

Allele frequency attached by ClinVar (database versions not stated): ExAC 0.00003; TOPMed 0.00003; ESP Exome Variant Server 0.00023.
gnomAD v4.1: 282 of 1,613,954 alleles (0.017%); highest among the groups gnomAD compares: Non-Finnish European, 0.023%; no homozygotes.

Submissions (4):

Ambry Genetics
Classification: Uncertain significance. Last evaluated: 2025-04-29. Review status: criteria provided, single submitter. Criteria: Ambry Variant Classification Scheme 2023. Collection method: clinical testing. Allele origin: germline.

PreventionGenetics, part of Exact Sciences
Classification: Uncertain significance for TUB-related condition. Last evaluated: 2025-02-16. Review status: criteria provided, single submitter. Criteria: ACMG Guidelines, 2015. Collection method: clinical testing. Allele origin: germline.
Comment: The TUB c.517G>A variant is predicted to result in the amino acid substitution p.Gly173Ser. To our knowledge, this variant has not been reported in the literature. This variant is reported in 0.0062% of alleles in individuals of European (Non-Finnish) descent in gnomAD. At this time, the clinical significance of this variant is uncertain due to the absence of conclusive functional and genetic evidence.

Blueprint Genetics
Classification: Uncertain significance. Last evaluated: 2022-06-06. Review status: criteria provided, single submitter. Criteria: ACMG Guidelines, 2015. Collection method: clinical testing. Allele origin: germline.

Labcorp Genetics (formerly Invitae), Labcorp
Classification: Uncertain significance. Last evaluated: 2022-02-05. Review status: criteria provided, single submitter. Criteria: Invitae Variant Classification Sherloc (09022015). Collection method: clinical testing. Allele origin: germline.
Comment: In summary, the available evidence is currently insufficient to determine the role of this variant in disease. Therefore, it has been classified as a Variant of Uncertain Significance. Algorithms developed to predict the effect of missense changes on protein structure and function output the following: SIFT: "Tolerated"; PolyPhen-2: "Benign"; Align-GVGD: "Class C0". The serine amino acid residue is found in multiple mammalian species, which suggests that this missense change does not adversely affect protein function. ClinVar contains an entry for this variant (Variation ID: 955486). This variant has not been reported in the literature in individuals affected with TUB-related conditions. This variant is present in population databases (rs147424798, gnomAD 0.006%). This sequence change replaces glycine, which is neutral and non-polar, with serine, which is neutral and polar, at codon 173 of the TUB protein (p.Gly173Ser).